The following is an entry in ClinVar:

NM_020461.4(TUBGCP6):c.2485-3C>A

Gene: TUBGCP6 (tubulin gamma complex component 6; minus strand). Cytogenetic location: 22q13.33.
Variant type: single nucleotide variant.
Coding change: c.2485-3C>A on transcript NM_020461.4 (MANE Select); 3 bases into the intron before coding-DNA position 2485, C replaced by A.
Molecular consequence: intron variant.
Genome position (GRCh38, 1-based): chr22:50,221,877, G>T on the plus strand (C>A on the coding strand, the complement: TUBGCP6 is on the minus strand). VCF-style: chr22-50221877-G-T. GRCh37 (hg19) VCF-style: chr22-50660306-G-T.
Identifiers: ClinVar variation 1525618 (VCV001525618.7), dbSNP rs751249134, ClinGen allele CA10308183.

ClinVar aggregate classification (germline): Uncertain significance. Review status: criteria provided, multiple submitters, no conflicts (2 of 4 stars). 2 submissions from 2 submitters: Uncertain significance (2). Last evaluated 2023-09-22.

Allele frequency attached by ClinVar (database versions not stated): ExAC 0.00001; gnomAD exomes 0.00001.
gnomAD v4.1: 10 of 1,515,420 alleles (0.00066%); highest among the groups gnomAD compares: Non-Finnish European, 0.00088%; no homozygotes.

Submissions (2):

Blueprint Genetics
Classification: Uncertain significance. Last evaluated: 2023-09-22. Review status: criteria provided, single submitter. Criteria: ACMG Guidelines, 2015. Collection method: clinical testing. Allele origin: germline.

Labcorp Genetics (formerly Invitae), Labcorp
Classification: Uncertain significance. Last evaluated: 2021-04-12. Review status: criteria provided, single submitter. Criteria: Invitae Variant Classification Sherloc (09022015). Collection method: clinical testing. Allele origin: germline.
Comment: This variant has not been reported in the literature in individuals with TUBGCP6-related conditions. In summary, the available evidence is currently insufficient to determine the role of this variant in disease. Therefore, it has been classified as a Variant of Uncertain Significance. Nucleotide substitutions within the consensus splice site are a relatively common cause of aberrant splicing (PMID: 17576681, 9536098). Algorithms developed to predict the effect of sequence changes on RNA splicing suggest that this variant may disrupt the consensus splice site, but this prediction has not been confirmed by published transcriptional studies. This variant is present in population databases (rs751249134, ExAC 0.002%). This sequence change falls in intron 15 of the TUBGCP6 gene. It does not directly change the encoded amino acid sequence of the TUBGCP6 protein. It affects a nucleotide within the consensus splice site of the intron.

Literature cited by the submitters: PubMed 17576681 (cited by Labcorp Genetics (formerly Invitae), Labcorp); PubMed 9536098 (cited by Labcorp Genetics (formerly Invitae), Labcorp).